The following is an entry in ClinVar:

ClinVar aggregate classification (germline): Uncertain significance (1 of 4 stars; one submission).

Submission:

Labcorp Genetics (formerly Invitae), Labcorp
Classification: Uncertain significance. Last evaluated: 2025-01-15. Review status: criteria provided, single submitter. Criteria: Invitae Variant Classification Sherloc (09022015). Collection method: clinical testing. Allele origin: germline.
Comment: This variant, c.529_546del, results in the deletion of 6 amino acid(s) of the SLC30A10 protein (p.Arg177_Pro182del), but otherwise preserves the integrity of the reading frame. This variant is present in population databases (rs767556759, gnomAD 0.08%). This variant has not been reported in the literature in individuals affected with SLC30A10-related conditions. ClinVar contains an entry for this variant (Variation ID: 1476062). Experimental studies and prediction algorithms are not available or were not evaluated, and the functional significance of this variant is currently unknown. In summary, the available evidence is currently insufficient to determine the role of this variant in disease. Therefore, it has been classified as a Variant of Uncertain Significance.

NM_018713.3(SLC30A10):c.529_546del (p.Arg177_Pro182del)

Gene: SLC30A10 (solute carrier family 30 member 10; minus strand). Cytogenetic location: 1q41.
Variant type: Deletion.
Coding change: c.529_546del on transcript NM_018713.3 (MANE Select); coding-DNA positions 529 to 546, 18 bases deleted (CGGCGCGCGGCGGACCCG).
Protein change: p.Arg177_Pro182del.
Molecular consequence: inframe deletion. On other transcripts: non-coding transcript variant (1), intron variant (1).
Genome position (GRCh38, 1-based): chr1:219,927,895-219,927,912, CGGGTCCGCCGCGCGCCG deleted on the plus strand (CGGCGCGCGGCGGACCCG on the coding strand, the reverse complement: SLC30A10 is on the minus strand); deleting any 18 consecutive bases within chr1:219,927,895-219,927,919 gives the same sequence; the c. name uses the placement nearest the transcript's 3' end. VCF-style (leftmost placement, unchanged base first): chr1-219927894-TCGGGTCCGCCGCGCGCCG-T. GRCh37 (hg19) VCF-style: chr1-220101236-TCGGGTCCGCCGCGCGCCG-T.
Other names: c.452-807_452-790del (NM_001376929.1).
Identifiers: ClinVar variation 1476062 (VCV001476062.6), dbSNP rs767556759, ClinGen allele CA1399306.
Genomic context (GRCh38, chr1:219,927,894, plus strand): 5'-CCCGCTTCCTTTCCACCGAGGTCCCCCGGAGGGTTACGGCCGAGTCCGAGCCTGGGGCTG[TCGGGTCCGCCGCGCGCCG>T]CGGGTCCTCCGCGCCCTGAGGCCCCCCGAAAGCGCCGGGGACACAGCCCTCCGCCAGCTG-3'